The following is an entry in ClinVar:

NM_175918.3(CRIPAK):c.518_672del155 (p.Pro173Argfs)

Genes: CRIPAK (cysteine rich PAK1 inhibitor; plus strand), UVSSA (UV stimulated scaffold protein A; plus strand), LOC126806945 (P300/CBP strongly-dependent group 1 enhancer GRCh37_chr4:1388225-1389424; plus strand). Cytogenetic location: 4p16.3.
Variant type: Deletion.
Coding change: c.518_672del155 on transcript NM_175918.3; coding-DNA positions 518 to 672, 155 bases deleted.
Protein change: p.Pro173Argfs; shifts the reading frame from proline 173.
Molecular consequence: frameshift variant.
Genome position (GRCh38, 1-based): chr4:1,395,029-1,395,183, 155 bases deleted. GRCh37 (hg19): chr4:1,388,817-1,388,971.
Identifiers: ClinVar variation 2654567 (VCV002654567.24), dbSNP rs1560501433, ClinGen allele CA549266043.

ClinVar aggregate classification (germline): Likely benign (1 of 4 stars; one submission).

Submission:

CeGaT Center for Human Genetics Tuebingen
Classification: Likely benign. Last evaluated: 2023-06-01. Review status: criteria provided, single submitter. Criteria: CeGaT Center For Human Genetics Tuebingen Variant Classification Criteria Version 2. Collection method: clinical testing. Allele origin: germline. Affected: yes. Observed: 2 variant alleles.
Comment: CRIPAK: BS2